The following is an entry in ClinVar:

ClinVar aggregate classification (germline): Conflicting classifications of pathogenicity. Review status: criteria provided, conflicting classifications (1 of 4 stars). 4 submissions from 3 submitters: Uncertain significance (2); Likely benign (1). 1 of the submissions does not count toward it. Last evaluated 2026-01-15.

Conditions:
Lethal multiple pterygium syndrome (LMPS). Identifiers: Orphanet 33108, MedGen C1854678, MONDO:0009668, OMIM 253290.
CHRND-related disorder. Also called: CHRND-Related Disorders; CHRND-related condition.
Congenital myasthenic syndrome (CMS). Also called: Congenital Myasthenic Syndromes. Identifiers: Orphanet 590, MedGen C0751882, MeSH D020294, MONDO:0018940.

Allele frequency attached by ClinVar (database versions not stated): gnomAD exomes 0.00005 and 0.00001; gnomAD 0.00008 and 0.00006; TOPMed 0.00007; ExAC 0.00004.

Submissions (4):

Labcorp Genetics (formerly Invitae), Labcorp
Classification: Likely benign for Lethal multiple pterygium syndrome. Last evaluated: 2026-01-15. Review status: criteria provided, single submitter. Criteria: Invitae Variant Classification Sherloc (09022015). Collection method: clinical testing. Allele origin: germline.

Illumina Laboratory Services, Illumina
Classification: Uncertain significance for Congenital myasthenic syndrome. Last evaluated: 2018-01-13. Review status: criteria provided, single submitter. Criteria: ICSL Variant Classification Criteria 13 December 2019. Collection method: clinical testing. Allele origin: germline.

Illumina Laboratory Services, Illumina
Classification: Uncertain significance for Lethal multiple pterygium syndrome. Last evaluated: 2018-01-13. Review status: criteria provided, single submitter. Criteria: ICSL Variant Classification Criteria 13 December 2019. Collection method: clinical testing. Allele origin: germline.

PreventionGenetics, part of Exact Sciences
Classification: Likely benign for CHRND-related condition. Last evaluated: 2023-06-15. Review status: no assertion criteria provided. Collection method: clinical testing. Allele origin: germline. Not counted in ClinVar's aggregate classification.
Comment: This variant is classified as likely benign based on ACMG/AMP sequence variant interpretation guidelines (Richards et al. 2015 PMID: 25741868, with internal and published modifications).

NM_000751.3(CHRND):c.411C>T (p.Gly137=)

Gene: CHRND (cholinergic receptor nicotinic delta subunit; plus strand). Cytogenetic location: 2q37.1.
Variant type: single nucleotide variant.
Coding change: c.411C>T on transcript NM_000751.3 (MANE Select); coding-DNA position 411, C replaced by T.
Protein change: p.Gly137=; no amino-acid change (glycine 137 retained).
Molecular consequence: synonymous variant. On other transcripts: missense variant (1).
Genome position (GRCh38, 1-based): chr2:232,528,558, C>T. VCF-style: chr2-232528558-C-T. GRCh37 (hg19) VCF-style: chr2-233393268-C-T.
Other names: c.366C>T, p.Gly122= (NM_001256657.2); c.140C>T, p.Ala47Val (NM_001311195.2); c.108C>T, p.Gly36= (NM_001311196.2); c.140C>T (NM_001311195.1); short protein forms A47V.
Identifiers: ClinVar variation 334964 (VCV000334964.18), dbSNP rs373578965, ClinGen allele CA2168022.